The following is an entry in ClinVar:

NM_201384.3(PLEC):c.4489G>A (p.Glu1497Lys)

Gene: PLEC (plectin; minus strand). Cytogenetic location: 8q24.3.
Variant type: single nucleotide variant.
Coding change: c.4489G>A on transcript NM_201384.3 (MANE Select); coding-DNA position 4489, G replaced by A.
Protein change: p.Glu1497Lys; replaces glutamic acid 1497 with lysine.
Molecular consequence: missense variant.
Genome position (GRCh38, 1-based): chr8:143,925,440, C>T on the plus strand (G>A on the coding strand, the complement: PLEC is on the minus strand). VCF-style: chr8-143925440-C-T. GRCh37 (hg19) VCF-style: chr8-144999608-C-T.
Other names: c.4570G>A, p.Glu1524Lys (NM_000445.5); c.4447G>A, p.Glu1483Lys (NM_201378.4); c.4423G>A, p.Glu1475Lys (NM_201379.3); c.4900G>A, p.Glu1634Lys (NM_201380.4); c.4393G>A, p.Glu1465Lys (NM_201381.3); c.4489G>A, p.Glu1497Lys (NM_201382.4); c.4501G>A, p.Glu1501Lys (NM_201383.3); short protein forms E1475K, E1524K, E1634K, E1483K, E1497K, E1465K, E1501K.
Identifiers: ClinVar variation 653264 (VCV000653264.6), dbSNP rs537020357, ClinGen allele CA4926642.

ClinVar aggregate classification (germline): Uncertain significance (1 of 4 stars; one submission).

Conditions:
Epidermolysis bullosa simplex, Ogna type (EBS5A). Also called: Pidermolysis bullosa simplex 5A, Ogna type; EPIDERMOLYSIS BULLOSA SIMPLEX 5A, OGNA TYPE. Identifiers: Orphanet 79401, MedGen C0432317, MONDO:0007555, OMIM 131950.
Epidermolysis bullosa simplex 5C, with pyloric atresia (EBS5C). Also called: Epidermolysis bullosa simplex with pyloric atresia; PLEC-Related Epidermolysis Bullosa with Pyloric Atresia; PLEC1-Related Epidermolysis Bullosa with Pyloric Atresia. Identifiers: Orphanet 158684, MedGen C2677349, MONDO:0012807, OMIM 612138.
Epidermolysis bullosa simplex with nail dystrophy (EBS5D). Identifiers: MedGen C4225309, MONDO:0014661, OMIM 616487.
Epidermolysis bullosa simplex 5B, with muscular dystrophy (EBS5B). Also called: EPIDERMOLYSIS BULLOSA SIMPLEX AND LIMB-GIRDLE MUSCULAR DYSTROPHY; Epidermolysis bullosa simplex with muscular dystrophy. Identifiers: Orphanet 257, MedGen C2931072, MONDO:0009181, OMIM 226670.
Autosomal recessive limb-girdle muscular dystrophy type 2Q (LGMDR17). Also called: MUSCULAR DYSTROPHY, LIMB-GIRDLE, AUTOSOMAL RECESSIVE 17. Identifiers: Orphanet 254361, MedGen C3150989, MONDO:0013390, OMIM 613723.

Allele frequency attached by ClinVar (database versions not stated): TOPMed below 0.00001; ExAC 0.00001; gnomAD exomes 0.00001; 1000 Genomes Project 0.00020; 1000 Genomes Project 30x 0.00031.

Submission:

Labcorp Genetics (formerly Invitae), Labcorp
Classification: Uncertain significance for Autosomal recessive limb-girdle muscular dystrophy type 2Q; Epidermolysis bullosa simplex, Ogna type; Epidermolysis bullosa simplex with nail dystrophy; Epidermolysis bullosa simplex 5C, with pyloric atresia; Epidermolysis bullosa simplex 5B, with muscular dystrophy. Last evaluated: 2023-09-01. Review status: criteria provided, single submitter. Criteria: Invitae Variant Classification Sherloc (09022015). Collection method: clinical testing. Allele origin: germline.
Comment: This variant has not been reported in the literature in individuals affected with PLEC-related conditions. This variant is not present in population databases (gnomAD no frequency). This sequence change replaces glutamic acid, which is acidic and polar, with lysine, which is basic and polar, at codon 1524 of the PLEC protein (p.Glu1524Lys). ClinVar contains an entry for this variant (Variation ID: 653264). In summary, the available evidence is currently insufficient to determine the role of this variant in disease. Therefore, it has been classified as a Variant of Uncertain Significance. Advanced modeling of protein sequence and biophysical properties (such as structural, functional, and spatial information, amino acid conservation, physicochemical variation, residue mobility, and thermodynamic stability) has been performed at Invitae for this missense variant, however the output from this modeling did not meet the statistical confidence thresholds required to predict the impact of this variant on PLEC protein function.